The following is an entry in ClinVar:

ClinVar aggregate classification (germline): Uncertain significance (1 of 4 stars; one submission).

Conditions:
Heterotopia, periventricular, X-linked dominant (PVNH1). Also called: PERIVENTRICULAR NODULAR HETEROTOPIA 4; HETEROTOPIA, PERIVENTRICULAR, 1; PERIVENTRICULAR NODULAR HETEROTOPIA 1; X-linked periventricular heterotopia. Identifiers: Orphanet 2149, Orphanet 82004, MedGen C1848213, MONDO:0010233, OMIM 300049.
Oto-palato-digital syndrome, type II (OPD2). Also called: Otopalatodigital Syndrome, Type II; FACIOPALATOOSSEOUS SYNDROME; OPD II SYNDROME; Otopalatodigital Syndrome Type 2 (FLNA-OPD2). Identifiers: Orphanet 669, Orphanet 90652, MedGen C1844696, MONDO:0010571, OMIM 304120.
Melnick-Needles syndrome (MNS). Also called: MELNICK-NEEDLES OSTEODYSPLASTY; OSTEODYSPLASTY OF MELNICK AND NEEDLES; Melnick-Needles Syndrome (FLNA-MNS). Identifiers: Orphanet 2484, MedGen C0025237, MONDO:0010650, OMIM 309350.
Frontometaphyseal dysplasia (FMD1). Identifiers: Orphanet 1826, MedGen C0265293, MONDO:0015942.

gnomAD v4.1: 1 of 1,211,001 alleles (0.000083%); highest among the groups gnomAD compares: African/African-American, 0.0017%; no homozygotes.

Submission:

Labcorp Genetics (formerly Invitae), Labcorp
Classification: Uncertain significance for Oto-palato-digital syndrome, type II; Heterotopia, periventricular, X-linked dominant; Frontometaphyseal dysplasia; Melnick-Needles syndrome. Last evaluated: 2026-01-20. Review status: criteria provided, single submitter. Criteria: Invitae Variant Classification Sherloc (09022015). Collection method: clinical testing. Allele origin: germline.
Comment: This sequence change replaces proline, which is neutral and non-polar, with alanine, which is neutral and non-polar, at codon 2214 of the FLNA protein (p.Pro2214Ala). This variant is not present in population databases (gnomAD no frequency). This variant has not been reported in the literature in individuals affected with FLNA-related conditions. Invitae Evidence Modeling of protein sequence and biophysical properties (such as structural, functional, and spatial information, amino acid conservation, physicochemical variation, residue mobility, and thermodynamic stability) indicates that this missense variant is not expected to disrupt FLNA protein function with a negative predictive value of 95%. In summary, the available evidence is currently insufficient to determine the role of this variant in disease. Therefore, it has been classified as a Variant of Uncertain Significance.

NM_001110556.2(FLNA):c.6664C>G (p.Pro2222Ala)

Gene: FLNA (filamin A; minus strand). Cytogenetic location: Xq28.
Variant type: single nucleotide variant.
Coding change: c.6664C>G on transcript NM_001110556.2 (MANE Select); coding-DNA position 6664, C replaced by G.
Protein change: p.Pro2222Ala; replaces proline 2222 with alanine.
Molecular consequence: missense variant.
Genome position (GRCh38, 1-based): chrX:154,352,286, G>C on the plus strand (C>G on the coding strand, the complement: FLNA is on the minus strand). VCF-style: chrX-154352286-G-C. GRCh37 (hg19) VCF-style: chrX-153580654-G-C.
Other names: c.6640C>G, p.Pro2214Ala (NM_001456.4); short protein forms P2214A, P2222A.
Identifiers: ClinVar variation 4789573 (VCV004789573.1).